The following is an entry in ClinVar:

NM_020191.4(MRPS22):c.1064G>A (p.Arg355His)

Gene: MRPS22 (mitochondrial ribosomal protein S22; plus strand). Cytogenetic location: 3q23.
Variant type: single nucleotide variant.
Coding change: c.1064G>A on transcript NM_020191.4 (MANE Select); coding-DNA position 1064, G replaced by A.
Protein change: p.Arg355His; replaces arginine 355 with histidine.
Molecular consequence: missense variant.
Genome position (GRCh38, 1-based): chr3:139,356,995, G>A. VCF-style: chr3-139356995-G-A. GRCh37 (hg19) VCF-style: chr3-139075837-G-A.
Other names: c.941G>A, p.Arg314His (NM_001363857.1); c.1061G>A, p.Arg354His (NM_001363893.1); short protein forms R355H, R314H, R354H.
Identifiers: ClinVar variation 4694202 (VCV004694202.1).

ClinVar aggregate classification (germline): Uncertain significance (1 of 4 stars; one submission).

gnomAD v4.1: 21 of 1,611,332 alleles (0.0013%); highest among the groups gnomAD compares: Middle Eastern, 0.017%; no homozygotes.

Submission:

Labcorp Genetics (formerly Invitae), Labcorp
Classification: Uncertain significance. Last evaluated: 2025-09-17. Review status: criteria provided, single submitter. Criteria: Invitae Variant Classification Sherloc (09022015). Collection method: clinical testing. Allele origin: germline.
Comment: This sequence change replaces arginine, which is basic and polar, with histidine, which is basic and polar, at codon 355 of the MRPS22 protein (p.Arg355His). This variant is present in population databases (rs755925113, gnomAD 0.02%). This variant has not been reported in the literature in individuals affected with MRPS22-related conditions. Invitae Evidence Modeling of protein sequence and biophysical properties (such as structural, functional, and spatial information, amino acid conservation, physicochemical variation, residue mobility, and thermodynamic stability) indicates that this missense variant is not expected to disrupt MRPS22 protein function with a negative predictive value of 80%. In summary, the available evidence is currently insufficient to determine the role of this variant in disease. Therefore, it has been classified as a Variant of Uncertain Significance.